The following is an entry in ClinVar:

NM_001127222.2(CACNA1A):c.655A>T (p.Ile219Phe)

Gene: CACNA1A (calcium voltage-gated channel subunit alpha1 A; minus strand). Cytogenetic location: 19p13.13.
Variant type: single nucleotide variant.
Coding change: c.655A>T on transcript NM_001127222.2 (MANE Select); coding-DNA position 655, A replaced by T.
Protein change: p.Ile219Phe; replaces isoleucine 219 with phenylalanine.
Molecular consequence: missense variant.
Genome position (GRCh38, 1-based): chr19:13,365,446, T>A on the plus strand (A>T on the coding strand, the complement: CACNA1A is on the minus strand). VCF-style: chr19-13365446-T-A. GRCh37 (hg19) VCF-style: chr19-13476260-T-A.
Other names: c.655A>T, p.Ile219Phe (NM_000068.4, NM_001127221.2, NM_001174080.2 and 1 more transcripts); short protein forms I219F.
Identifiers: ClinVar variation 840244 (VCV000840244.10), dbSNP rs2059190992, ClinGen allele CA404348653.
Genomic context (GRCh38, chr19:13,365,446, plus strand): 5'-TAAGGATTGCAAAAAATAGGAGGAGGCCGATCTGCAGCAAAGGGATCATCGCCTTCATGA[T>A]CGACTTCAGGACGACTTGTAAACCTGGGGGGACACAGAGAGAGGCCCCATAAGCCCATGA-3'
Protein context (NP_001120694.1, residues 209-229): IPSLQVVLKS[Ile219Phe]MKAMIPLLQI

ClinVar aggregate classification (germline): Uncertain significance (1 of 4 stars; one submission).

Conditions:
Episodic ataxia type 2 (EA2). Also called: ACETAZOLAMIDE-RESPONSIVE HEREDITARY PAROXYSMAL CEREBELLAR ATAXIA; ATAXIA, EPISODIC, WITH NYSTAGMUS; ATAXIA, FAMILIAL PAROXYSMAL; CEREBELLAR ATAXIA, PAROXYSMAL, ACETAZOLAMIDE-RESPONSIVE; CEREBELLOPATHY, HEREDITARY PAROXYSMAL; EPISODIC ATAXIA, NYSTAGMUS-ASSOCIATED. Identifiers: Orphanet 97, MedGen C1720416, MONDO:0007163, OMIM 108500.
Developmental and epileptic encephalopathy, 42 (DEE42A). Also called: DEVELOPMENTAL AND EPILEPTIC ENCEPHALOPATHY 42A; EPILEPTIC ENCEPHALOPATHY, EARLY INFANTILE, 42A; Epileptic encephalopathy, early infantile, 42. Identifiers: MedGen C4310716, MONDO:0014917, OMIM 617106.

Submission:

Labcorp Genetics (formerly Invitae), Labcorp
Classification: Uncertain significance for Developmental and epileptic encephalopathy, 42; Episodic ataxia type 2. Last evaluated: 2022-07-12. Review status: criteria provided, single submitter. Criteria: Invitae Variant Classification Sherloc (09022015). Collection method: clinical testing. Allele origin: germline.
Comment: This sequence change replaces isoleucine, which is neutral and non-polar, with phenylalanine, which is neutral and non-polar, at codon 219 of the CACNA1A protein (p.Ile219Phe). This variant is not present in population databases (gnomAD no frequency). This variant has not been reported in the literature in individuals affected with CACNA1A-related conditions. ClinVar contains an entry for this variant (Variation ID: 840244). Advanced modeling of protein sequence and biophysical properties (such as structural, functional, and spatial information, amino acid conservation, physicochemical variation, residue mobility, and thermodynamic stability) performed at Invitae indicates that this missense variant is expected to disrupt CACNA1A protein function. In summary, the available evidence is currently insufficient to determine the role of this variant in disease. Therefore, it has been classified as a Variant of Uncertain Significance.